The following is an entry in ClinVar:

NM_000214.3(JAG1):c.2616T>G (p.Asp872Glu)

Gene: JAG1 (jagged canonical Notch ligand 1; minus strand). Cytogenetic location: 20p12.2.
Variant type: single nucleotide variant.
Coding change: c.2616T>G on transcript NM_000214.3 (MANE Select); coding-DNA position 2616, T replaced by G.
Protein change: p.Asp872Glu; replaces aspartic acid 872 with glutamic acid.
Molecular consequence: missense variant.
Genome position (GRCh38, 1-based): chr20:10,641,849, A>C on the plus strand (T>G on the coding strand, the complement: JAG1 is on the minus strand). VCF-style: chr20-10641849-A-C. GRCh37 (hg19) VCF-style: chr20-10622497-A-C.
Other names: short protein forms D872E.
Identifiers: ClinVar variation 3345103 (VCV003345103.1).

ClinVar aggregate classification (germline): Uncertain significance (0 of 4 stars; one submission).

Conditions:
JAG1-related disorder. Also called: JAG1-related disorders; JAG1-related condition.

Submission:

PreventionGenetics, part of Exact Sciences
Classification: Uncertain significance for JAG1-related condition. Last evaluated: 2024-06-16. Review status: no assertion criteria provided. Collection method: clinical testing. Allele origin: germline.
Comment: The JAG1 c.2616T>G variant is predicted to result in the amino acid substitution p.Asp872Glu. To our knowledge, this variant has not been reported in the literature or in a large population database, indicating this variant is rare. At this time, the clinical significance of this variant is uncertain due to the absence of conclusive functional and genetic evidence.